The following is an entry in ClinVar:

NM_000059.4(BRCA2):c.7388A>C (p.Asn2463Thr)

Gene: BRCA2 (BRCA2 DNA repair associated; plus strand). Cytogenetic location: 13q13.1.
Variant type: single nucleotide variant.
Coding change: c.7388A>C on transcript NM_000059.4 (MANE Select); coding-DNA position 7388, A replaced by C.
Protein change: p.Asn2463Thr; replaces asparagine 2463 with threonine.
Molecular consequence: missense variant. On other transcripts: non-coding transcript variant (1).
Genome position (GRCh38, 1-based): chr13:32,355,241, A>C. VCF-style: chr13-32355241-A-C. GRCh37 (hg19) VCF-style: chr13-32929378-A-C.
Other names: c.7292A>C, p.Asn2431Thr (NM_001406719.1); c.7388A>C, p.Asn2463Thr (NM_001406720.1, NM_001432077.1); c.2456A>C, p.Asn819Thr (NM_001406721.1); c.971A>C, p.Asn324Thr (NM_001406722.1); short protein forms N819T, N2431T, N2463T, N324T.
Identifiers: ClinVar variation 4842982 (VCV004842982.1).

ClinVar aggregate classification (germline): Uncertain significance (1 of 4 stars; one submission).

Conditions:
Hereditary cancer-predisposing syndrome. Also called: Neoplastic Syndromes, Hereditary; Tumor predisposition; Hereditary Cancer Syndrome; Hereditary neoplastic syndrome. Identifiers: Orphanet 140162, MedGen C0027672, MeSH D009386, MONDO:0015356.

Submission:

Ambry Genetics
Classification: Uncertain significance for Hereditary cancer-predisposing syndrome. Last evaluated: 2026-01-10. Review status: criteria provided, single submitter. Criteria: Ambry Variant Classification Scheme 2023. Collection method: clinical testing. Allele origin: germline.
Comment: The p.N2463T variant (also known as c.7388A>C), located in coding exon 13 of the BRCA2 gene, results from an A to C substitution at nucleotide position 7388. The asparagine at codon 2463 is replaced by threonine, an amino acid with similar properties. This amino acid position is conserved. In addition, this alteration is predicted to be tolerated by in silico analysis. Based on the available evidence, the clinical significance of this variant remains unclear.